The following is an entry in ClinVar:

ClinVar aggregate classification (germline): Benign/Likely benign. Review status: criteria provided, multiple submitters, no conflicts (2 of 4 stars). 3 submissions from 3 submitters: Benign (1); Likely benign (2). Last evaluated 2025-06-13.

Conditions:
Von Hippel-Lindau syndrome (VHLS). Also called: Von Hippel-Lindau; von Hippel–Lindau syndrome; VHL syndrome. Identifiers: Orphanet 892, MedGen C0019562, MONDO:0008667, OMIM 193300. Disease mechanism: loss of function.
Chuvash polycythemia. Also called: POLYCYTHEMIA, VHL-DEPENDENT. Identifiers: Orphanet 238557, MedGen C1837915, MONDO:0009892, OMIM 263400.
Hereditary cancer-predisposing syndrome. Also called: Hereditary neoplastic syndrome; Neoplastic Syndromes, Hereditary; Tumor predisposition; Hereditary Cancer Syndrome. Identifiers: Orphanet 140162, MedGen C0027672, MeSH D009386, MONDO:0015356.

Allele frequency attached by ClinVar (database versions not stated): gnomAD exomes below 0.00001; gnomAD 0.00001.

Submissions (3):

Myriad Genetics, Inc.
Classification: Benign for Von Hippel-Lindau syndrome. Last evaluated: 2025-06-13. Review status: criteria provided, single submitter. Criteria: Myriad Autosomal Dominant, Autosomal Recessive and X-Linked Classification Criteria (2023). Collection method: clinical testing. Allele origin: unknown.
Comment: This variant is considered benign. This variant is a silent/synonymous amino acid change and it is not expected to impact splicing.

Labcorp Genetics (formerly Invitae), Labcorp
Classification: Likely benign for Von Hippel-Lindau syndrome; Chuvash polycythemia. Last evaluated: 2024-07-09. Review status: criteria provided, single submitter. Criteria: Invitae Variant Classification Sherloc (09022015). Collection method: clinical testing. Allele origin: germline.

Ambry Genetics
Classification: Likely benign for Hereditary cancer-predisposing syndrome. Last evaluated: 2017-12-28. Review status: criteria provided, single submitter. Criteria: Ambry Variant Classification Scheme 2023. Collection method: clinical testing. Allele origin: germline.

NM_000551.4(VHL):c.594G>C (p.Leu198=)

Genes: VHL (von Hippel-Lindau tumor suppressor; plus strand), LOC107303340 (3p25 von Hippel-Lindau tumor suppressor, E3 ubiquitin protein ligase Alu-mediated recombination region; plus strand). Cytogenetic location: 3p25.3.
Variant type: single nucleotide variant.
Coding change: c.594G>C on transcript NM_000551.4 (MANE Select); coding-DNA position 594, G replaced by C.
Protein change: p.Leu198=; no amino-acid change (leucine 198 retained).
Molecular consequence: synonymous variant. On other transcripts: 3 prime UTR variant (1).
Genome position (GRCh38, 1-based): chr3:10,149,917, G>C. VCF-style: chr3-10149917-G-C. GRCh37 (hg19) VCF-style: chr3-10191601-G-C.
Other names: c.*148G>C (NM_001354723.2); c.471G>C, p.Leu157= (NM_198156.3).
Identifiers: ClinVar variation 730663 (VCV000730663.16), dbSNP rs1575932599, ClinGen allele CA432423824.
Genomic context (GRCh38, chr3:10,149,917, plus strand): 5'-GGACATCGTCAGGTCGCTCTACGAAGATCTGGAAGACCACCCAAATGTGCAGAAAGACCT[G>C]GAGCGGCTGACACAGGAGCGCATTGCACATCAACGGATGGGAGATTGAAGATTTCTGTTG-3'
Protein context (NP_000542.1, residues 188-208): LEDHPNVQKD[Leu198=]ERLTQERIAH